The following is an entry in ClinVar:

NM_001042492.3(NF1):c.2002-9G>T

Gene: NF1 (neurofibromin 1; plus strand). Cytogenetic location: 17q11.2.
Variant type: single nucleotide variant.
Coding change: c.2002-9G>T on transcript NM_001042492.3 (MANE Select); 9 bases into the intron before coding-DNA position 2002, G replaced by T.
Molecular consequence: intron variant.
Genome position (GRCh38, 1-based): chr17:31,226,426, G>T. VCF-style: chr17-31226426-G-T. GRCh37 (hg19) VCF-style: chr17-29553444-G-T.
Other names: c.2002-9G>T (NM_000267.4).
Identifiers: ClinVar variation 220104 (VCV000220104.15), dbSNP rs376197466, ClinGen allele CA349868.

ClinVar aggregate classification (germline): Benign/Likely benign. Review status: criteria provided, multiple submitters, no conflicts (2 of 4 stars). 6 submissions from 6 submitters: Benign (1); Likely benign (5). Last evaluated 2026-06-25.

Conditions:
Hereditary cancer-predisposing syndrome. Also called: Tumor predisposition; Hereditary neoplastic syndrome; Neoplastic Syndromes, Hereditary; Hereditary Cancer Syndrome. Identifiers: Orphanet 140162, MedGen C0027672, MeSH D009386, MONDO:0015356.
Neurofibromatosis, type 1 (NF1). Also called: Neurofibromatosis, type I; NEUROFIBROMATOSIS, TYPE I, SOMATIC; VON RECKLINGHAUSEN DISEASE; Peripheral type neurofibromatosis. Identifiers: Orphanet 636, MedGen C0027831, MONDO:0018975, OMIM 162200. Disease mechanism: loss of function.

Allele frequency attached by ClinVar (database versions not stated): gnomAD 0.00011 and 0.00013; TOPMed 0.00015; ExAC 0.00004; gnomAD exomes 0.00004; ESP Exome Variant Server 0.00008.
gnomAD v4.1: 27 of 1,611,290 alleles (0.0017%); highest among the groups gnomAD compares: African/African-American, 0.034%; no homozygotes.

Submissions (6):

Myriad Genetics, Inc.
Classification: Benign for Neurofibromatosis, type 1. Last evaluated: 2026-06-25. Review status: criteria provided, single submitter. Criteria: Myriad Autosomal Dominant, Autosomal Recessive and X-Linked Classification Criteria (2023). Collection method: clinical testing. Allele origin: unknown.
Comment: This variant is considered benign. This variant is intronic and is not expected to impact mRNA splicing. This variant has been observed at a population frequency that is significantly greater than expected given the associated disease prevalence and penetrance.

Labcorp Genetics (formerly Invitae), Labcorp
Classification: Likely benign for Neurofibromatosis, type 1. Last evaluated: 2026-01-05. Review status: criteria provided, single submitter. Criteria: Invitae Variant Classification Sherloc (09022015). Collection method: clinical testing. Allele origin: germline.

Genome-Nilou Lab
Classification: Likely benign for Neurofibromatosis, type 1. Last evaluated: 2022-03-15. Review status: criteria provided, single submitter. Criteria: ACMG Guidelines, 2015. Collection method: clinical testing. Allele origin: germline. Affected: no.

Sema4
Classification: Likely benign for Hereditary cancer-predisposing syndrome. Last evaluated: 2021-12-11. Review status: criteria provided, single submitter. Criteria: Sema4 Curation Guidelines. Collection method: curation. Allele origin: germline.

GeneDx
Classification: Likely benign. Last evaluated: 2018-12-21. Review status: criteria provided, single submitter. Criteria: GeneDx Variant Classification Process June 2021. Collection method: clinical testing. Allele origin: germline. Affected: yes.

PreventionGenetics, part of Exact Sciences
Classification: Likely benign. Last evaluated: 2017-05-30. Review status: criteria provided, single submitter. Criteria: ACMG Guidelines, 2015. Collection method: clinical testing. Allele origin: germline.